The following is an entry in ClinVar:

NC_000020.10:g.(?_32340958)_(32346632_?)del

Gene: ZNF341 (zinc finger protein 341; plus strand). Cytogenetic location: 20q11.22.
Variant type: Deletion.
Identifiers: ClinVar variation 2427075 (VCV002427075.4).

ClinVar aggregate classification (germline): Pathogenic (1 of 4 stars; one submission).

Submission:

Labcorp Genetics (formerly Invitae), Labcorp
Classification: Pathogenic. Last evaluated: 2022-01-17. Review status: criteria provided, single submitter. Criteria: Invitae Variant Classification Sherloc (09022015). Collection method: clinical testing. Allele origin: germline.
Comment: For these reasons, this variant has been classified as Pathogenic. This variant has not been reported in the literature in individuals affected with ZNF341-related conditions. This variant is a gross deletion of the genomic region encompassing exon(s) 5-7 of the ZNF341 gene. This deletion is out-of-frame, and is expected to create a premature termination codon and result in an absent or disrupted protein product. Loss-of-function variants in ZNF341 are known to be pathogenic (PMID: 29907690, 29907691).

Literature cited by the submitters: PubMed 29907690; PubMed 29907691.